The following is an entry in ClinVar:

ClinVar aggregate classification (germline): Uncertain significance (1 of 4 stars; one submission).

Conditions:
T-cell immunodeficiency, congenital alopecia, and nail dystrophy. Also called: Congenital alopecia and nail dystrophy associated with severe functional T-cell immunodeficiency; Pignata Guarino syndrome. Identifiers: Orphanet 169095, MedGen C1866426, MONDO:0011132, OMIM 601705.

Allele frequency attached by ClinVar (database versions not stated): TOPMed 0.00001.

Submission:

Labcorp Genetics (formerly Invitae), Labcorp
Classification: Uncertain significance for T-cell immunodeficiency, congenital alopecia, and nail dystrophy. Last evaluated: 2024-12-09. Review status: criteria provided, single submitter. Criteria: Invitae Variant Classification Sherloc (09022015). Collection method: clinical testing. Allele origin: germline.
Comment: This sequence change replaces glycine, which is neutral and non-polar, with aspartic acid, which is acidic and polar, at codon 21 of the FOXN1 protein (p.Gly21Asp). This variant is not present in population databases (gnomAD no frequency). This variant has not been reported in the literature in individuals affected with FOXN1-related conditions. ClinVar contains an entry for this variant (Variation ID: 536431). An algorithm developed to predict the effect of missense changes on protein structure and function (PolyPhen-2) suggests that this variant is likely to be tolerated. In summary, the available evidence is currently insufficient to determine the role of this variant in disease. Therefore, it has been classified as a Variant of Uncertain Significance.

NM_001369369.1(FOXN1):c.62G>A (p.Gly21Asp)

Gene: FOXN1 (forkhead box N1; plus strand). Cytogenetic location: 17q11.2.
Variant type: single nucleotide variant.
Coding change: c.62G>A on transcript NM_001369369.1 (MANE Select); coding-DNA position 62, G replaced by A.
Protein change: p.Gly21Asp; replaces glycine 21 with aspartic acid.
Molecular consequence: missense variant.
Genome position (GRCh38, 1-based): chr17:28,524,031, G>A. VCF-style: chr17-28524031-G-A. GRCh37 (hg19) VCF-style: chr17-26851049-G-A.
Other names: c.62G>A, p.Gly21Asp (NM_003593.3); short protein forms G21D.
Identifiers: ClinVar variation 536431 (VCV000536431.5), dbSNP rs1362649393, ClinGen allele CA398320174.